The following is an entry in ClinVar:

ClinVar aggregate classification (germline): Uncertain significance. Review status: criteria provided, multiple submitters, no conflicts (2 of 4 stars). 2 submissions from 2 submitters: Uncertain significance (2). Last evaluated 2025-08-29.

Conditions:
Inborn genetic diseases. Identifiers: MedGen C0950123, MeSH D030342.

Allele frequency attached by ClinVar (database versions not stated): gnomAD exomes below 0.00001; ExAC 0.00001.
gnomAD v4.1: 4 of 1,613,320 alleles (0.00025%); highest among the groups gnomAD compares: Non-Finnish European, 0.00025%; no homozygotes.

Submissions (2):

Ambry Genetics
Classification: Uncertain significance for Inborn genetic diseases. Last evaluated: 2025-08-29. Review status: criteria provided, single submitter. Criteria: Ambry Variant Classification Scheme 2023. Collection method: clinical testing. Allele origin: germline.

GeneDx
Classification: Uncertain significance. Last evaluated: 2020-06-19. Review status: criteria provided, single submitter. Criteria: GeneDx Variant Classification Process June 2021. Collection method: clinical testing. Allele origin: germline. Affected: yes.
Comment: Not observed at a significant frequency in large population cohorts (Lek et al., 2016); In silico analysis supports that this missense variant has a deleterious effect on protein structure/function; Has not been previously published as pathogenic or benign to our knowledge

NM_001329943.3(KIAA0586):c.2184C>A (p.Ser728Arg)

Gene: KIAA0586 (KIAA0586; plus strand). Cytogenetic location: 14q23.1.
Variant type: single nucleotide variant.
Coding change: c.2184C>A on transcript NM_001329943.3 (MANE Select); coding-DNA position 2184, C replaced by A.
Protein change: p.Ser728Arg; replaces serine 728 with arginine.
Molecular consequence: missense variant.
Genome position (GRCh38, 1-based): chr14:58,465,959, C>A. VCF-style: chr14-58465959-C-A. GRCh37 (hg19) VCF-style: chr14-58932677-C-A.
Other names: c.2343C>A, p.Ser781Arg (NM_001244189.2); c.2139C>A, p.Ser713Arg (NM_001244190.2); c.1929C>A, p.Ser643Arg (NM_001244191.2, NM_001329945.2, NM_001364700.1 and 1 more transcripts); c.2052C>A, p.Ser684Arg (NM_001244192.2); c.1764C>A, p.Ser588Arg (NM_001244193.2); c.2184C>A, p.Ser728Arg (NM_001329944.2, NM_001329946.2, NM_001329947.2); c.1956C>A, p.Ser652Arg (NM_014749.5); c.1956C>A (NM_014749.3); short protein forms S588R, S643R, S652R, S684R, S713R, S728R, S781R.
Identifiers: ClinVar variation 1312716 (VCV001312716.3), dbSNP rs746882477, ClinGen allele CA7205804.